The following is an entry in ClinVar:

NM_006914.4(RORB):c.674A>G (p.Glu225Gly)

Gene: RORB (RAR related orphan receptor B; plus strand). Cytogenetic location: 9q21.13.
Variant type: single nucleotide variant.
Coding change: c.674A>G on transcript NM_006914.4 (MANE Select); coding-DNA position 674, A replaced by G.
Protein change: p.Glu225Gly; replaces glutamic acid 225 with glycine.
Molecular consequence: missense variant.
Genome position (GRCh38, 1-based): chr9:74,660,653, A>G. VCF-style: chr9-74660653-A-G. GRCh37 (hg19) VCF-style: chr9-77275569-A-G.
Other names: c.707A>G, p.Glu236Gly (NM_001365023.1); short protein forms E236G, E225G.
Identifiers: ClinVar variation 2838700 (VCV002838700.3), dbSNP rs2489621752, ClinGen allele CA373770428.

ClinVar aggregate classification (germline): Uncertain significance (1 of 4 stars; one submission).

gnomAD v4.1: 1 of 1,613,622 alleles (0.000062%); no homozygotes.

Submission:

Labcorp Genetics (formerly Invitae), Labcorp
Classification: Uncertain significance. Last evaluated: 2023-02-18. Review status: criteria provided, single submitter. Criteria: Invitae Variant Classification Sherloc (09022015). Collection method: clinical testing. Allele origin: germline.
Comment: This variant has not been reported in the literature in individuals affected with RORB-related conditions. In summary, the available evidence is currently insufficient to determine the role of this variant in disease. Therefore, it has been classified as a Variant of Uncertain Significance. An algorithm developed to predict the effect of missense changes on protein structure and function (PolyPhen-2) suggests that this variant is likely to be tolerated. This variant is not present in population databases (gnomAD no frequency). This sequence change replaces glutamic acid, which is acidic and polar, with glycine, which is neutral and non-polar, at codon 225 of the RORB protein (p.Glu225Gly).